The following is an entry in ClinVar:

ClinVar aggregate classification (germline): Uncertain significance (1 of 4 stars; one submission).

Allele frequency attached by ClinVar (database versions not stated): gnomAD 0.00001; gnomAD exomes 0.00001; TOPMed 0.00002.

Submission:

Labcorp Genetics (formerly Invitae), Labcorp
Classification: Uncertain significance. Last evaluated: 2023-04-05. Review status: criteria provided, single submitter. Criteria: Invitae Variant Classification Sherloc (09022015). Collection method: clinical testing. Allele origin: germline.
Comment: In summary, the available evidence is currently insufficient to determine the role of this variant in disease. Therefore, it has been classified as a Variant of Uncertain Significance. Advanced modeling of protein sequence and biophysical properties (such as structural, functional, and spatial information, amino acid conservation, physicochemical variation, residue mobility, and thermodynamic stability) performed at Invitae indicates that this missense variant is not expected to disrupt RTN4IP1 protein function. ClinVar contains an entry for this variant (Variation ID: 1402076). This variant has not been reported in the literature in individuals affected with RTN4IP1-related conditions. This variant is not present in population databases (gnomAD no frequency). This sequence change replaces alanine, which is neutral and non-polar, with valine, which is neutral and non-polar, at codon 359 of the RTN4IP1 protein (p.Ala359Val).

NM_032730.5(RTN4IP1):c.1076C>T (p.Ala359Val)

Gene: RTN4IP1 (reticulon 4 interacting protein 1; minus strand). Cytogenetic location: 6q21.
Variant type: single nucleotide variant.
Coding change: c.1076C>T on transcript NM_032730.5 (MANE Select); coding-DNA position 1076, C replaced by T.
Protein change: p.Ala359Val; replaces alanine 359 with valine.
Molecular consequence: missense variant.
Genome position (GRCh38, 1-based): chr6:106,583,335, G>A on the plus strand (C>T on the coding strand, the complement: RTN4IP1 is on the minus strand). VCF-style: chr6-106583335-G-A. GRCh37 (hg19) VCF-style: chr6-107031210-G-A.
Other names: c.776C>T, p.Ala259Val (NM_001318746.1); short protein forms A259V, A359V.
Identifiers: ClinVar variation 1402076 (VCV001402076.6), dbSNP rs774461670, ClinGen allele CA144968973.
Genomic context (GRCh38, chr6:106,583,335, plus strand): 5'-GAGGTGCTGTAGAAATACAAAGGCTTCCAATCCAGGTTTCCAGGTGCACGTACCTTTCCC[G>A]CATCCACCAGTTCTGCAATGTCATCTAAACATGGGCCACTGGCCATGAAAAATGCCCAGC-3'
Protein context (NP_116119.2, residues 349-369): CLDDIAELVD[Ala359Val]GKIRPVIEQT